The following is an entry in ClinVar:

ClinVar aggregate classification (germline): Pathogenic (1 of 4 stars; one submission).

Conditions:
Fanconi anemia (FA). Also called: Fanconi's anemia. Identifiers: Orphanet 84, MedGen C0015625, MeSH D005199, MONDO:0019391.

Submission:

Labcorp Genetics (formerly Invitae), Labcorp
Classification: Pathogenic for Fanconi anemia. Last evaluated: 2022-08-16. Review status: criteria provided, single submitter. Criteria: Invitae Variant Classification Sherloc (09022015). Collection method: clinical testing. Allele origin: germline.
Comment: For these reasons, this variant has been classified as Pathogenic. This variant has not been reported in the literature in individuals affected with FANCA-related conditions. This variant is a gross deletion of the genomic region encompassing exon(s) 30-33 of the FANCA gene. This deletion is out-of-frame, and is expected to create a premature termination codon and result in an absent or disrupted protein product. Loss-of-function variants in FANCA are known to be pathogenic (PMID: 19367192).

Literature cited by the submitters: PubMed 19367192.

NC_000016.10:g.(?_89748641)_(89758720_?)del

Gene: FANCA (FA complementation group A; minus strand). Cytogenetic location: 16q24.3.
Variant type: Deletion.
Identifiers: ClinVar variation 831147 (VCV000831147.6).